The following is an entry in ClinVar:

ClinVar aggregate classification (germline): Benign/Likely benign. Review status: criteria provided, multiple submitters, no conflicts (2 of 4 stars). 10 submissions from 10 submitters: Benign (4); Likely benign (1). 5 of the submissions do not count toward it. Last evaluated 2026-02-03.

Conditions:
Arrhythmogenic cardiomyopathy with wooly hair and keratoderma. Also called: Dilated cardiomyopathy with woolly hair and keratoderma; Arrhythmogenic cardiomyopathy with woolly hair and keratoderma; PALMOPLANTAR KERATODERMA WITH LEFT VENTRICULAR CARDIOMYOPATHY AND WOOLLY HAIR; Carvajal syndrome. Identifiers: Orphanet 65282, MedGen C1854063, MONDO:0011581, OMIM 605676.
Arrhythmogenic right ventricular dysplasia 8 (ARVD8). Also called: Arrhythmogenic Right Ventricular Dysplasia/Cardiomyopathy 8; ARRHYTHMOGENIC RIGHT VENTRICULAR DYSPLASIA, FAMILIAL, 8; ARRHYTHMOGENIC RIGHT VENTRICULAR CARDIOMYOPATHY 8. Identifiers: MedGen C1843896, MONDO:0011831, OMIM 607450.
Cardiomyopathy (CMYO). Also called: Cardiomyopathies. Identifiers: Orphanet 167848, MedGen C0878544, MONDO:0004994, HP:0001638. Inheritance: Various modes of inheritance.

Allele frequency attached by ClinVar (database versions not stated): gnomAD exomes 0.00299 and 0.00800; ESP Exome Variant Server 0.03227; 1000 Genomes Project 0.03454; 1000 Genomes Project 30x 0.03716; ExAC 0.00995; gnomAD 0.02847 and 0.03015; TOPMed 0.03194.

Submissions (10):

Labcorp Genetics (formerly Invitae), Labcorp
Classification: Benign for Arrhythmogenic cardiomyopathy with wooly hair and keratoderma; Arrhythmogenic right ventricular dysplasia 8. Last evaluated: 2026-02-03. Review status: criteria provided, single submitter. Criteria: Invitae Variant Classification Sherloc (09022015). Collection method: clinical testing. Allele origin: germline.

GeneDx
Classification: Benign. Last evaluated: 2018-05-23. Review status: criteria provided, single submitter. Criteria: GeneDx Variant Classification Process June 2021. Collection method: clinical testing. Allele origin: germline. Affected: yes.

Women's Health and Genetics/Laboratory Corporation of America, LabCorp
Classification: Benign. Last evaluated: 2016-11-22. Review status: criteria provided, single submitter. Criteria: LabCorp Variant Classification Summary - May 2015. Collection method: clinical testing. Allele origin: germline.
Comment: Variant summary: The DSP c.423-16_423-15insC variant involves the insetion of an intronic nucleotide. One in silico tool predicts a benign outcome for this variant. 5/5 splice prediction tools predict no significant impact on normal splicing. This variant was found in 1200/120544 control chromosomes (58 homozygotes), predominantly observed in the African subpopulation at a frequency of 0.1054381 (1047/9930). This frequency is about 4217 times the estimated maximal expected allele frequency of a pathogenic DSP variant (0.000025), suggesting this is likely a benign polymorphism found primarily in the populations of African origin. In addition, multiple clinical diagnostic laboratories/reputable databases classified this variant as benign/likely benign. Taken together, this variant is classified as benign.

Laboratory for Molecular Medicine, Mass General Brigham Personalized Medicine
Classification: Likely benign. Last evaluated: 2012-05-24. Review status: criteria provided, single submitter. Criteria: LMM Criteria. Collection method: clinical testing. Allele origin: germline. Observed: 26 variant alleles.

PreventionGenetics, part of Exact Sciences
Classification: Benign. Review status: criteria provided, single submitter. Criteria: ACMG Guidelines, 2015. Collection method: clinical testing. Allele origin: germline.

Cohesion Phenomics
Classification: Benign for Cardiomyopathy. Last evaluated: 2022-09-23. Review status: no assertion criteria provided. Criteria: ACMG Guidelines, 2015. Collection method: clinical testing. Allele origin: germline. Affected: yes. Not counted in ClinVar's aggregate classification.

Clinical Genetics DNA and cytogenetics Diagnostics Lab, Erasmus MC, Erasmus Medical Center
Classification: Benign. Review status: no assertion criteria provided. Collection method: clinical testing. Allele origin: germline. Affected: yes. Study: VKGL Data-share Consensus. Not counted in ClinVar's aggregate classification.

Clinical Genetics, Academic Medical Center
Classification: Benign. Review status: no assertion criteria provided. Collection method: clinical testing. Allele origin: germline. Affected: yes. Study: VKGL Data-share Consensus. Not counted in ClinVar's aggregate classification.

Diagnostic Laboratory, Department of Genetics, University Medical Center Groningen
Classification: Likely benign. Review status: no assertion criteria provided. Collection method: clinical testing. Allele origin: germline. Affected: yes. Study: VKGL Data-share Consensus. Not counted in ClinVar's aggregate classification.

Genome Diagnostics Laboratory, University Medical Center Utrecht
Classification: Benign. Review status: no assertion criteria provided. Collection method: clinical testing. Allele origin: germline. Affected: yes. Study: VKGL Data-share Consensus. Not counted in ClinVar's aggregate classification.

NM_004415.4(DSP):c.423-16_423-15insC

Gene: DSP (desmoplakin; plus strand). Cytogenetic location: 6p24.3.
Variant type: Insertion.
Coding change: c.423-16_423-15insC on transcript NM_004415.4 (MANE Select); 16 bases into the intron before coding-DNA position 423 through 15 bases into the intron before coding-DNA position 423, C inserted.
Molecular consequence: intron variant.
Genome position: GRCh38 VCF-style: chr6-7559210-G-GC. GRCh37 (hg19) VCF-style: chr6-7559443-G-GC.
Other names: c.423-16_423-15insC (NM_001319034.2, NM_001008844.3).
Identifiers: ClinVar variation 44902 (VCV000044902.22), dbSNP rs113028223, ClinGen allele CA006048.
Genomic context (GRCh38, chr6:7,559,210, plus strand): 5'-AAAAGGGGAAATTTGCCCAGAACGGGTTTTCATAGGCTGTTTTCCTGCAGTGGTTTAAAG[G>GC]TTTTTTTCTTTGCAGGCTTCTTCAGCTCCAAGAGCAAATGCGAGCCCTTTATAAAGCCAT-3'